The following is an entry in ClinVar:

ClinVar aggregate classification (germline): Likely benign (0 of 4 stars; one submission).

Conditions:
CENPT-related disorder. Also called: CENPT-related condition.

Allele frequency attached by ClinVar (database versions not stated): gnomAD exomes 0.00012; ExAC 0.00039; 1000 Genomes Project 0.00100; gnomAD 0.00122; 1000 Genomes Project 30x 0.00125; ESP Exome Variant Server 0.00144; TOPMed 0.00148.
gnomAD v4.1: 361 of 1,580,862 alleles (0.023%); highest among the groups gnomAD compares: African/African-American, 0.4%; 2 homozygotes.

Submission:

PreventionGenetics, part of Exact Sciences
Classification: Likely benign for CENPT-related condition. Last evaluated: 2022-02-18. Review status: no assertion criteria provided. Collection method: clinical testing. Allele origin: germline.
Comment: This variant is classified as likely benign based on ACMG/AMP sequence variant interpretation guidelines (Richards et al. 2015 PMID: 25741868, with internal and published modifications).

NM_025082.4(CENPT):c.1265C>T (p.Ala422Val)

Gene: CENPT (centromere protein T; minus strand). Cytogenetic location: 16q22.1.
Variant type: single nucleotide variant.
Coding change: c.1265C>T on transcript NM_025082.4 (MANE Select); coding-DNA position 1265, C replaced by T.
Protein change: p.Ala422Val; replaces alanine 422 with valine.
Molecular consequence: missense variant.
Genome position (GRCh38, 1-based): chr16:67,829,438, G>A on the plus strand (C>T on the coding strand, the complement: CENPT is on the minus strand). VCF-style: chr16-67829438-G-A. GRCh37 (hg19) VCF-style: chr16-67863341-G-A.
Other names: short protein forms A422V.
Identifiers: ClinVar variation 3042984 (VCV003042984.2), dbSNP rs201434551, ClinGen allele CA8117613.